The following is an entry in ClinVar:

ClinVar aggregate classification (germline): Conflicting classifications of pathogenicity. Review status: criteria provided, conflicting classifications (1 of 4 stars). 3 submissions from 3 submitters: Uncertain significance (2); Likely benign (1). Last evaluated 2024-08-26.

Conditions:
Hereditary breast ovarian cancer syndrome. Also called: Hereditary breast and ovarian cancer syndrome (HBOC); Breast and ovarian cancer; Hereditary breast and ovarian cancer syndrome; Hereditary breast and ovarian cancer; BRCA1- and BRCA2-Associated Hereditary Breast and Ovarian Cancer; Hereditary breast and/or ovarian cancer syndrome. Identifiers: Orphanet 145, MedGen C0677776, MeSH D061325, MONDO:0003582. Disease mechanism: loss of function.
Hereditary cancer-predisposing syndrome. Also called: Neoplastic Syndromes, Hereditary; Hereditary Cancer Syndrome; Tumor predisposition; Hereditary neoplastic syndrome. Identifiers: Orphanet 140162, MedGen C0027672, MeSH D009386, MONDO:0015356.
Breast-ovarian cancer, familial, susceptibility to, 2 (BROVCA2). Also called: BRCA2 Hereditary Breast and Ovarian Cancer. Identifiers: Orphanet 145, MedGen C2675520, MONDO:0012933, OMIM 612555. Disease mechanism: loss of function.

Submissions (3):

Ambry Genetics
Classification: Likely benign for Hereditary cancer-predisposing syndrome. Last evaluated: 2024-08-26. Review status: criteria provided, single submitter. Criteria: Ambry Variant Classification Scheme 2023. Collection method: clinical testing. Allele origin: germline.

Labcorp Genetics (formerly Invitae), Labcorp
Classification: Uncertain significance for Hereditary breast ovarian cancer syndrome. Last evaluated: 2024-05-16. Review status: criteria provided, single submitter. Criteria: Invitae Variant Classification Sherloc (09022015). Collection method: clinical testing. Allele origin: germline.
Comment: This sequence change replaces leucine, which is neutral and non-polar, with phenylalanine, which is neutral and non-polar, at codon 35 of the BRCA2 protein (p.Leu35Phe). This variant is not present in population databases (gnomAD no frequency). This variant has not been reported in the literature in individuals affected with BRCA2-related conditions. ClinVar contains an entry for this variant (Variation ID: 584840). Advanced modeling of protein sequence and biophysical properties (such as structural, functional, and spatial information, amino acid conservation, physicochemical variation, residue mobility, and thermodynamic stability) performed at Invitae indicates that this missense variant is not expected to disrupt BRCA2 protein function with a negative predictive value of 95%. In summary, the available evidence is currently insufficient to determine the role of this variant in disease. Therefore, it has been classified as a Variant of Uncertain Significance.

Mendelics
Classification: Uncertain significance for Breast-ovarian cancer, familial, susceptibility to, 2. Last evaluated: 2019-05-28. Review status: criteria provided, single submitter. Criteria: Mendelics Assertion Criteria 2017. Collection method: clinical testing. Allele origin: unknown.

NM_000059.4(BRCA2):c.103C>T (p.Leu35Phe)

Gene: BRCA2 (BRCA2 DNA repair associated; plus strand). Cytogenetic location: 13q13.1.
Variant type: single nucleotide variant.
Coding change: c.103C>T on transcript NM_000059.4 (MANE Select); coding-DNA position 103, C replaced by T.
Protein change: p.Leu35Phe; replaces leucine 35 with phenylalanine.
Molecular consequence: missense variant.
Genome position (GRCh38, 1-based): chr13:32,319,112, C>T. VCF-style: chr13-32319112-C-T. GRCh37 (hg19) VCF-style: chr13-32893249-C-T.
Other names: c.103C>T (NM_000059.3); short protein forms L35F.
Identifiers: ClinVar variation 584840 (VCV000584840.6), dbSNP rs1446479156, ClinGen allele CA387754159.